The following is an entry in ClinVar:

NM_001386298.1(CIC):c.5923dup (p.Ala1975fs)

Gene: CIC (capicua transcriptional repressor; plus strand). Cytogenetic location: 19q13.2.
Variant type: Duplication.
Coding change: c.5923dup on transcript NM_001386298.1 (MANE Select); coding-DNA position 5923, one base duplicated (G; older notation c.5923dupG).
Protein change: p.Ala1975fs; shifts the reading frame from alanine 1975.
Molecular consequence: frameshift variant.
Genome position (GRCh38, 1-based): chr19:42,292,586, G duplicated; the last of 2 consecutive G bases (chr19:42,292,585-42,292,586); duplicating either gives the same sequence. VCF-style (leftmost placement, unchanged base first): chr19-42292584-T-TG. GRCh37 (hg19) VCF-style: chr19-42796736-T-TG.
Other names: c.5923dup, p.Ala1975fs (NM_001304815.2, NM_001379480.1, NM_001379482.1 and 6 more transcripts); c.3196dup, p.Ala1066fs (NM_001379484.1, NM_001379485.1, NM_001439189.1 and 2 more transcripts); c.3193dup, p.Ala1065fs (NM_001439191.1); short protein forms A1065fs, A1066fs, A1975fs.
Identifiers: ClinVar variation 4856837 (VCV004856837.2).

ClinVar aggregate classification (germline): Likely pathogenic (1 of 4 stars; one submission).

Submission:

Dasa
Classification: Likely pathogenic. Last evaluated: 2024-05-06. Review status: criteria provided, single submitter. Criteria: DASA Assertion Criteria. Collection method: clinical testing. Allele origin: germline.
Comment: NM_001386298.1(CIC):c.5923dup (p.Ala1975Glyfs*85) is a frameshift variant in CIC predicted to alter the reading frame and introduce a premature termination codon. Loss of function is an established disease mechanism for CIC (PMID: 28288114; PMID: 28263302; PMID: 22542183). Based on the currently available evidence, this variant is classified as likely pathogenic.

Literature cited by the submitters: PubMed 28288114; PubMed 28263302; PubMed 22542183.